The following is an entry in ClinVar:

NM_006828.4(ASCC3):c.4280C>T (p.Thr1427Met)

Gene: ASCC3 (activating signal cointegrator 1 complex subunit 3; minus strand). Cytogenetic location: 6q16.3.
Variant type: single nucleotide variant.
Coding change: c.4280C>T on transcript NM_006828.4 (MANE Select); coding-DNA position 4280, C replaced by T.
Protein change: p.Thr1427Met; replaces threonine 1427 with methionine.
Molecular consequence: missense variant.
Genome position (GRCh38, 1-based): chr6:100,629,110, G>A on the plus strand (C>T on the coding strand, the complement: ASCC3 is on the minus strand). VCF-style: chr6-100629110-G-A. GRCh37 (hg19) VCF-style: chr6-101076986-G-A.
Other names: short protein forms T1427M.
Identifiers: ClinVar variation 2580575 (VCV002580575.3), dbSNP rs1483972453, ClinGen allele CA365119270.

ClinVar aggregate classification (germline): Uncertain significance. Review status: criteria provided, single submitter (1 of 4 stars). 2 submissions from 2 submitters: Uncertain significance (1). 1 of the submissions does not count toward it. Last evaluated 2023-03-20.

Conditions:
Intellectual developmental disorder, autosomal recessive 81 (MRT81). Identifiers: MedGen C5882758, MONDO:0958204, OMIM 620700.

gnomAD v4.1: 3 of 1,613,666 alleles (0.00019%); highest among the groups gnomAD compares: Non-Finnish European, 0.00017%; no homozygotes.

Submissions (2):

GeneDx
Classification: Uncertain significance. Last evaluated: 2023-03-20. Review status: criteria provided, single submitter. Criteria: GeneDx Variant Classification Process June 2021. Collection method: clinical testing. Allele origin: germline. Affected: yes.
Comment: In silico analysis supports that this missense variant has a deleterious effect on protein structure/function; This variant is associated with the following publications: (PMID: 35047834)

OMIM
Classification: Pathogenic for INTELLECTUAL DEVELOPMENTAL DISORDER, AUTOSOMAL RECESSIVE 81. Last evaluated: 2024-02-02. Review status: no assertion criteria provided. Collection method: literature only. Allele origin: germline. Not counted in ClinVar's aggregate classification.

Literature cited by the submitters: PubMed 35047834 (cited by OMIM).